The following is an entry in ClinVar:

NM_020975.6(RET):c.2476T>A (p.Tyr826Asn)

Gene: RET (ret proto-oncogene; plus strand). Cytogenetic location: 10q11.21.
Variant type: single nucleotide variant.
Coding change: c.2476T>A on transcript NM_020975.6 (MANE Select); coding-DNA position 2476, T replaced by A.
Protein change: p.Tyr826Asn; replaces tyrosine 826 with asparagine.
Molecular consequence: missense variant.
Genome position (GRCh38, 1-based): chr10:43,119,614, T>A. VCF-style: chr10-43119614-T-A. GRCh37 (hg19) VCF-style: chr10-43615062-T-A.
Other names: c.2080T>A, p.Tyr694Asn (NM_001406772.1, NM_001406769.1); c.2038T>A, p.Tyr680Asn (NM_001406773.1, NM_001406771.1); c.1951T>A, p.Tyr651Asn (NM_001406774.1); c.1750T>A, p.Tyr584Asn (NM_001406775.1, NM_001406776.1, NM_001406777.1 and 1 more transcripts); c.1579T>A, p.Tyr527Asn (NM_001406779.1, NM_001406780.1, NM_001406781.1 and 1 more transcripts); c.2476T>A, p.Tyr826Asn (NM_000323.2, NM_001406743.1, NM_001406744.1 and 4 more transcripts); c.1714T>A, p.Tyr572Asn (NM_001355216.2); c.2347T>A, p.Tyr783Asn (NM_001406761.1, NM_001406762.1, NM_001406764.1); and 10 more; short protein forms Y572N, Y826N, Y482N, Y527N, Y781N, Y484N, Y694N, Y730N.
Identifiers: ClinVar variation 839316 (VCV000839316.17), dbSNP rs1445590151, ClinGen allele CA376556314.

ClinVar aggregate classification (germline): Uncertain significance. Review status: criteria provided, multiple submitters, no conflicts (2 of 4 stars). 6 submissions from 6 submitters: Uncertain significance (6). Last evaluated 2025-11-23.

Conditions:
Multiple endocrine neoplasia, type 2 (MEN2). Identifiers: Orphanet 653, MedGen C4048306, MONDO:0019003. Disease mechanism: gain of function.
Hirschsprung disease, susceptibility to, 1 (HSCR1). Also called: RET-Related Hirschsprung Disease. Identifiers: Orphanet 388, MedGen C3888239, MONDO:0007723, OMIM 142623.
Multiple endocrine neoplasia type 2B. Also called: MUCOSAL NEUROMA SYNDROME; Multiple endocrine neoplasia, type 3; MULTIPLE ENDOCRINE NEOPLASIA, TYPE IIB; Multiple Endocrine Neoplasia Type 2B (MEN2B); MEN IIB; NEUROMATA, MUCOSAL, WITH ENDOCRINE TUMORS. Identifiers: Orphanet 247709, Orphanet 653, MedGen C0025269, MeSH D018814, MONDO:0008082, OMIM 162300.
Pheochromocytoma. Also called: MAX-Related Hereditary Paraganglioma-Pheochromocytoma Syndrome. Identifiers: Orphanet 29072, MedGen C0031511, MONDO:0008233, OMIM 171300, HP:0002666.
Multiple endocrine neoplasia type 2A. Also called: MULTIPLE ENDOCRINE NEOPLASIA, TYPE IIA; PTC SYNDROME; SIPPLE SYNDROME; MEN 2A; MEN-2A syndrome; Pheochromocytoma and amyloid producing medullary thyroid carcinoma. Identifiers: Orphanet 247698, Orphanet 653, MedGen C0025268, MeSH D018813, MONDO:0008234, OMIM 171400.
Familial medullary thyroid carcinoma (MTC). Also called: Familial Medullary Thyroid Carcinoma (FMTC); Thyroid cancer, familial medullary; MTC, familial. Identifiers: Orphanet 653, Orphanet 99361, MedGen C1833921, MONDO:0007958, OMIM 155240.
Hereditary cancer-predisposing syndrome. Also called: Hereditary neoplastic syndrome; Neoplastic Syndromes, Hereditary; Tumor predisposition; Hereditary Cancer Syndrome. Identifiers: Orphanet 140162, MedGen C0027672, MeSH D009386, MONDO:0015356.

Allele frequency attached by ClinVar (database versions not stated): gnomAD exomes below 0.00001; TOPMed below 0.00001.
gnomAD v4.1: 1 of 1,612,908 alleles (0.000062%); highest among the groups gnomAD compares: Admixed American, 0.0017%; no homozygotes.

Submissions (6):

Ambry Genetics
Classification: Uncertain significance for Hereditary cancer-predisposing syndrome. Last evaluated: 2025-11-23. Review status: criteria provided, single submitter. Criteria: Ambry Variant Classification Scheme 2023. Collection method: clinical testing. Allele origin: germline.
Comment: The p.Y826N variant (also known as c.2476T>A), located in coding exon 14 of the RET gene, results from a T to A substitution at nucleotide position 2476. The tyrosine at codon 826 is replaced by asparagine, an amino acid with dissimilar properties. This amino acid position is well conserved in available vertebrate species. In addition, the in silico prediction for this alteration is inconclusive. Since supporting evidence is limited at this time, the clinical significance of this alteration remains unclear.

Color Diagnostics, LLC DBA Color Health
Classification: Uncertain significance for Multiple endocrine neoplasia, type 2. Last evaluated: 2025-08-07. Review status: criteria provided, single submitter. Criteria: ACMG Guidelines, 2015. Collection method: clinical testing. Allele origin: germline.
Comment: This missense variant replaces tyrosine with asparagine at codon 826 of the RET protein. Computational prediction is inconclusive regarding the impact of this variant on protein structure and function. To our knowledge, functional studies have not been reported for this variant. This variant has not been reported in individuals affected with RET-related disorders in the literature. This variant has been identified in 1/249098 chromosomes in the general population by the Genome Aggregation Database (gnomAD). The available evidence is insufficient to determine the role of this variant in disease conclusively. Therefore, this variant is classified as a Variant of Uncertain Significance.

Quest Diagnostics Nichols Institute San Juan Capistrano
Classification: Uncertain significance. Last evaluated: 2025-04-07. Review status: criteria provided, single submitter. Criteria: Quest Diagnostics criteria. Collection method: clinical testing. Allele origin: unknown.

Labcorp Genetics (formerly Invitae), Labcorp
Classification: Uncertain significance for Multiple endocrine neoplasia, type 2. Last evaluated: 2025-02-04. Review status: criteria provided, single submitter. Criteria: Invitae Variant Classification Sherloc (09022015). Collection method: clinical testing. Allele origin: germline.
Comment: This sequence change replaces tyrosine, which is neutral and polar, with asparagine, which is neutral and polar, at codon 826 of the RET protein (p.Tyr826Asn). This variant is present in population databases (no rsID available, gnomAD 0.003%). This variant has not been reported in the literature in individuals affected with RET-related conditions. ClinVar contains an entry for this variant (Variation ID: 839316). An algorithm developed to predict the effect of missense changes on protein structure and function (PolyPhen-2) suggests that this variant is likely to be disruptive. In summary, the available evidence is currently insufficient to determine the role of this variant in disease. Therefore, it has been classified as a Variant of Uncertain Significance.

Fulgent Genetics
Classification: Uncertain significance for Hirschsprung disease, susceptibility to, 1; Familial medullary thyroid carcinoma; Multiple endocrine neoplasia type 2B; Pheochromocytoma; Multiple endocrine neoplasia type 2A. Last evaluated: 2024-05-29. Review status: criteria provided, single submitter. Criteria: ACMG Guidelines, 2015. Collection method: clinical testing. Allele origin: germline.

Baylor Genetics
Classification: Uncertain significance for Hirschsprung disease, susceptibility to, 1. Last evaluated: 2023-12-02. Review status: criteria provided, single submitter. Criteria: ACMG Guidelines, 2015. Collection method: clinical testing. Allele origin: unknown.